The following is an entry in ClinVar:

NM_006790.3(MYOT):c.866C>G (p.Thr289Arg)

Genes: MYOT (myotilin; plus strand), PKD2L2-DT (PKD2L2 divergent transcript; minus strand). Cytogenetic location: 5q31.2.
Variant type: single nucleotide variant.
Coding change: c.866C>G on transcript NM_006790.3 (MANE Select); coding-DNA position 866, C replaced by G.
Protein change: p.Thr289Arg; replaces threonine 289 with arginine.
Molecular consequence: missense variant.
Genome position (GRCh38, 1-based): chr5:137,883,433, C>G. VCF-style: chr5-137883433-C-G. GRCh37 (hg19) VCF-style: chr5-137219122-C-G.
Other names: c.314C>G, p.Thr105Arg (NM_001135940.2); c.521C>G, p.Thr174Arg (NM_001300911.2); short protein forms T105R, T174R, T289R.
Identifiers: ClinVar variation 2156349 (VCV002156349.7), dbSNP rs780661087, ClinGen allele CA3423069.

ClinVar aggregate classification (germline): Uncertain significance. Review status: criteria provided, multiple submitters, no conflicts (2 of 4 stars). 2 submissions from 2 submitters: Uncertain significance (2). Last evaluated 2024-04-05.

Conditions:
Myofibrillar myopathy 3 (MFM3). Also called: Muscular dystrophy, proximal, type 1A; Autosomal dominant spheroid body myopathy. Identifiers: Orphanet 266, Orphanet 268129, MedGen C3714934, MONDO:0012215, OMIM 609200.

Allele frequency attached by ClinVar (database versions not stated): TOPMed below 0.00001; ExAC 0.00001; gnomAD 0.00001.
gnomAD v4.1: 3 of 1,613,964 alleles (0.00019%); highest among the groups gnomAD compares: Non-Finnish European, 0.00017%; no homozygotes.

Submissions (2):

Labcorp Genetics (formerly Invitae), Labcorp
Classification: Uncertain significance for Myofibrillar myopathy 3. Last evaluated: 2024-04-05. Review status: criteria provided, single submitter. Criteria: Invitae Variant Classification Sherloc (09022015). Collection method: clinical testing. Allele origin: germline.
Comment: This sequence change replaces threonine, which is neutral and polar, with arginine, which is basic and polar, at codon 289 of the MYOT protein (p.Thr289Arg). This variant is present in population databases (rs780661087, gnomAD 0.0009%). This variant has not been reported in the literature in individuals affected with MYOT-related conditions. ClinVar contains an entry for this variant (Variation ID: 2156349). An algorithm developed to predict the effect of missense changes on protein structure and function (PolyPhen-2) suggests that this variant is likely to be tolerated. In summary, the available evidence is currently insufficient to determine the role of this variant in disease. Therefore, it has been classified as a Variant of Uncertain Significance.

Revvity Omics, Revvity
Classification: Uncertain significance for Myofibrillar myopathy 3. Last evaluated: 2019-12-24. Review status: criteria provided, single submitter. Criteria: ACMG Guidelines, 2015. Collection method: clinical testing. Allele origin: germline.